The following is an entry in ClinVar:

ClinVar aggregate classification (germline): Uncertain significance. Review status: criteria provided, multiple submitters, no conflicts (2 of 4 stars). 2 submissions from 2 submitters: Uncertain significance (2). Last evaluated 2024-12-05.

Allele frequency attached by ClinVar (database versions not stated): ESP Exome Variant Server 0.00015; 1000 Genomes Project 0.00040; 1000 Genomes Project 30x 0.00047; TOPMed 0.00053; gnomAD 0.00058 and 0.00063.
gnomAD v4.1: 769 of 1,578,774 alleles (0.049%); highest among the groups gnomAD compares: Admixed American, 0.078%; 1 homozygote.

Submissions (2):

Labcorp Genetics (formerly Invitae), Labcorp
Classification: Uncertain significance. Last evaluated: 2024-12-05. Review status: criteria provided, single submitter. Criteria: Invitae Variant Classification Sherloc (09022015). Collection method: clinical testing. Allele origin: germline.
Comment: This sequence change falls in intron 15 of the MAPKBP1 gene. It does not directly change the encoded amino acid sequence of the MAPKBP1 protein. It affects a nucleotide within the consensus splice site. This variant is present in population databases (rs148770114, gnomAD 0.07%), including at least one homozygous and/or hemizygous individual. This variant has not been reported in the literature in individuals affected with MAPKBP1-related conditions. ClinVar contains an entry for this variant (Variation ID: 1493095). Variants that disrupt the consensus splice site are a relatively common cause of aberrant splicing (PMID: 17576681, 9536098). Algorithms developed to predict the effect of sequence changes on RNA splicing suggest that this variant may disrupt the consensus splice site. In summary, the available evidence is currently insufficient to determine the role of this variant in disease. Therefore, it has been classified as a Variant of Uncertain Significance.

GeneDx
Classification: Uncertain significance. Last evaluated: 2023-07-24. Review status: criteria provided, single submitter. Criteria: GeneDx Variant Classification Process June 2021. Collection method: clinical testing. Allele origin: germline. Affected: yes.
Comment: Has not been previously published as pathogenic or benign to our knowledge; In silico analysis suggests this variant may impact gene splicing. In the absence of RNA/functional studies, the actual effect of this sequence change is unknown.

Literature cited by the submitters: PubMed 17576681 (cited by Labcorp Genetics (formerly Invitae), Labcorp); PubMed 9536098 (cited by Labcorp Genetics (formerly Invitae), Labcorp).

NM_014994.3(MAPKBP1):c.1711+5G>A

Gene: MAPKBP1 (mitogen-activated protein kinase binding protein 1; plus strand). Cytogenetic location: 15q15.1.
Variant type: single nucleotide variant.
Coding change: c.1711+5G>A on transcript NM_014994.3 (MANE Select); 5 bases into the intron after coding-DNA position 1711, G replaced by A.
Molecular consequence: intron variant.
Genome position (GRCh38, 1-based): chr15:41,817,040, G>A. VCF-style: chr15-41817040-G-A. GRCh37 (hg19) VCF-style: chr15-42109238-G-A.
Other names: c.1729+5G>A (NM_001128608.2); c.1711+5G>A (NM_001265611.2).
Identifiers: ClinVar variation 1493095 (VCV001493095.6), dbSNP rs148770114, ClinGen allele CA7497899.